The following is an entry in ClinVar:

NM_025153.3(ATP10B):c.482C>A (p.Thr161Asn)

Gene: ATP10B (ATPase phospholipid transporting 10B (putative); minus strand). Cytogenetic location: 5q34.
Variant type: single nucleotide variant.
Coding change: c.482C>A on transcript NM_025153.3 (MANE Select); coding-DNA position 482, C replaced by A.
Protein change: p.Thr161Asn; replaces threonine 161 with asparagine.
Molecular consequence: missense variant.
Genome position (GRCh38, 1-based): chr5:160,670,656, G>T on the plus strand (C>A on the coding strand, the complement: ATP10B is on the minus strand). VCF-style: chr5-160670656-G-T. GRCh37 (hg19) VCF-style: chr5-160097663-G-T.
Other names: c.482C>A, p.Thr161Asn (NM_001366656.2, NM_001366657.1, NM_001366652.1 and 2 more transcripts); c.398C>A, p.Thr133Asn (NM_001366658.2, NM_001410822.1); c.614C>A, p.Thr205Asn (NM_001366654.2); short protein forms T133N, T161N, T205N.
Identifiers: ClinVar variation 2656018 (VCV002656018.24), dbSNP rs73306687, ClinGen allele CA3543109.

ClinVar aggregate classification (germline): Likely benign (1 of 4 stars; one submission).

Allele frequency attached by ClinVar (database versions not stated): TOPMed 0.01592; 1000 Genomes Project 0.01677; 1000 Genomes Project 30x 0.01718.
gnomAD v4.1: 4,456 of 1,613,336 alleles (0.28%); highest among the groups gnomAD compares: African/African-American, 4.6%; 82 homozygotes.

Submission:

CeGaT Center for Human Genetics Tuebingen
Classification: Likely benign. Last evaluated: 2023-09-01. Review status: criteria provided, single submitter. Criteria: CeGaT Center For Human Genetics Tuebingen Variant Classification Criteria Version 2. Collection method: clinical testing. Allele origin: germline. Affected: yes. Observed: 3 variant alleles.
Comment: ATP10B: BP4, BS2